The following is an entry in ClinVar:

ClinVar aggregate classification (germline): Pathogenic. Review status: criteria provided, single submitter (1 of 4 stars). 2 submissions from 2 submitters: Pathogenic (1). 1 of the submissions does not count toward it. Last evaluated 2025-11-15.

Conditions:
Cockayne syndrome type 1. Also called: Cockayne syndrome type I; Cockayne syndrome classical; Cockayne syndrome classic form. Identifiers: Orphanet 191, Orphanet 90321, MedGen C0751039, MONDO:0019569, OMIM 216400.

Allele frequency attached by ClinVar (database versions not stated): gnomAD exomes below 0.00001; TOPMed below 0.00001; ESP Exome Variant Server 0.00008.

Submissions (2):

Labcorp Genetics (formerly Invitae), Labcorp
Classification: Pathogenic. Last evaluated: 2025-11-15. Review status: criteria provided, single submitter. Criteria: Invitae Variant Classification Sherloc (09022015). Collection method: clinical testing. Allele origin: germline.
Comment: This sequence change creates a premature translational stop signal (p.Asp227Ilefs*43) in the ERCC8 gene. It is expected to result in an absent or disrupted protein product. Loss-of-function variants in ERCC8 are known to be pathogenic (PMID: 29572252). This variant is not present in population databases (gnomAD no frequency). This variant has not been reported in the literature in individuals affected with ERCC8-related conditions. ClinVar contains an entry for this variant (Variation ID: 554496). For these reasons, this variant has been classified as Pathogenic.

Counsyl
Classification: Likely pathogenic for Cockayne syndrome type 1. Last evaluated: 2017-10-30. Review status: no assertion criteria provided. Collection method: clinical testing. Allele origin: unknown. Not counted in ClinVar's aggregate classification.

Literature cited by the submitters: PubMed 29572252 (cited by Labcorp Genetics (formerly Invitae), Labcorp).

NM_000082.4(ERCC8):c.679del (p.Asp227fs)

Gene: ERCC8 (ERCC excision repair 8, CSA ubiquitin ligase complex subunit; minus strand). Cytogenetic location: 5q12.1.
Variant type: Deletion.
Coding change: c.679del on transcript NM_000082.4 (MANE Select); coding-DNA position 679, one base deleted (G; older notation c.679delG).
Protein change: p.Asp227fs; shifts the reading frame from aspartic acid 227.
Molecular consequence: frameshift variant.
Genome position (GRCh38, 1-based): chr5:60,899,666, C deleted on the plus strand (G on the coding strand, the reverse complement: ERCC8 is on the minus strand). VCF-style (leftmost placement, unchanged base first): chr5-60899665-TC-T. GRCh37 (hg19) VCF-style: chr5-60195492-TC-T.
Other names: c.679delG (NM_000082.3); c.505del, p.Asp169fs (NM_001007233.3); c.220del, p.Asp74fs (NM_001290285.2); short protein forms D227fs, D74fs, D169fs.
Identifiers: ClinVar variation 554496 (VCV000554496.6), dbSNP rs1554073175, ClinGen allele CA444468141.